The following is an entry in ClinVar:

ClinVar aggregate classification (germline): Uncertain significance (1 of 4 stars; one submission).

Conditions:
Short QT syndrome type 3. Identifiers: Orphanet 51083, MedGen C1865018, MONDO:0012314, OMIM 609622.
Andersen Tawil syndrome (LQT7). Also called: ANDERSEN CARDIODYSRHYTHMIC PERIODIC PARALYSIS; LONG QT SYNDROME 7; Potassium-sensitive periodic paralysis, ventricular ectopy, and dysmorphic features; PERIODIC PARALYSIS, POTASSIUM-SENSITIVE CARDIODYSRHYTHMIC TYPE; Andersen Syndrome. Identifiers: Orphanet 37553, MedGen C1563715, MONDO:0008222, OMIM 170390.

Allele frequency attached by ClinVar (database versions not stated): gnomAD exomes below 0.00001.

Submission:

Labcorp Genetics (formerly Invitae), Labcorp
Classification: Uncertain significance for Short QT syndrome type 3; Andersen Tawil syndrome. Last evaluated: 2022-03-29. Review status: criteria provided, single submitter. Criteria: Invitae Variant Classification Sherloc (09022015). Collection method: clinical testing. Allele origin: germline.
Comment: This sequence change replaces threonine, which is neutral and polar, with alanine, which is neutral and non-polar, at codon 400 of the KCNJ2 protein (p.Thr400Ala). This variant is present in population databases (no rsID available, gnomAD 0.003%). This variant has not been reported in the literature in individuals affected with KCNJ2-related conditions. Algorithms developed to predict the effect of missense changes on protein structure and function (SIFT, PolyPhen-2, Align-GVGD) all suggest that this variant is likely to be tolerated. In summary, the available evidence is currently insufficient to determine the role of this variant in disease. Therefore, it has been classified as a Variant of Uncertain Significance.

NM_000891.3(KCNJ2):c.1198A>G (p.Thr400Ala)

Gene: KCNJ2 (potassium inwardly rectifying channel subfamily J member 2; plus strand). Cytogenetic location: 17q24.3.
Variant type: single nucleotide variant.
Coding change: c.1198A>G on transcript NM_000891.3 (MANE Select); coding-DNA position 1198, A replaced by G.
Protein change: p.Thr400Ala; replaces threonine 400 with alanine.
Molecular consequence: missense variant.
Genome position (GRCh38, 1-based): chr17:70,176,237, A>G. VCF-style: chr17-70176237-A-G. GRCh37 (hg19) VCF-style: chr17-68172378-A-G.
Other names: short protein forms T400A.
Identifiers: ClinVar variation 2114887 (VCV002114887.4), dbSNP rs1402297652, ClinGen allele CA400863965.
Genomic context (GRCh38, chr17:70,176,237, plus strand): 5'-GTTGCCCTCACAAGCAAAGAGGAAGACGACAGTGAAAATGGAGTTCCAGAAAGCACTAGT[A>G]CGGACACGCCCCCTGACATAGACCTTCACAACCAGGCAAGTGTACCTCTAGAGCCCAGGC-3'
Protein context (NP_000882.1, residues 390-410): SENGVPESTS[Thr400Ala]DTPPDIDLHN